The following is an entry in ClinVar:

NM_001369.3(DNAH5):c.3005T>C (p.Met1002Thr)

Genes: DNAH5 (dynein axonemal heavy chain 5; minus strand), DNAH5-AS1 (DNAH5 antisense RNA 1; plus strand). Cytogenetic location: 5p15.2.
Variant type: single nucleotide variant.
Coding change: c.3005T>C on transcript NM_001369.3 (MANE Select); coding-DNA position 3005, T replaced by C.
Protein change: p.Met1002Thr; replaces methionine 1002 with threonine.
Molecular consequence: missense variant.
Genome position (GRCh38, 1-based): chr5:13,883,073, A>G on the plus strand (T>C on the coding strand, the complement: DNAH5 is on the minus strand). VCF-style: chr5-13883073-A-G. GRCh37 (hg19) VCF-style: chr5-13883182-A-G.
Other names: short protein forms M1002T.
Identifiers: ClinVar variation 1798738 (VCV001798738.2), dbSNP rs759492235, ClinGen allele CA3204417.

ClinVar aggregate classification (germline): Uncertain significance (1 of 4 stars; one submission).

Conditions:
Primary ciliary dyskinesia. Also called: Ciliary dyskinesia. Identifiers: Orphanet 244, MedGen C0008780, MONDO:0016575, HP:0012265.

Allele frequency attached by ClinVar (database versions not stated): gnomAD exomes below 0.00001; ExAC 0.00001; gnomAD 0.00001.

Submission:

Ambry Genetics
Classification: Uncertain significance for Primary ciliary dyskinesia. Last evaluated: 2021-11-02. Review status: criteria provided, single submitter. Criteria: Ambry Variant Classification Scheme 2023. Collection method: clinical testing. Allele origin: germline.
Comment: The p.M1002T variant (also known as c.3005T>C), located in coding exon 20 of the DNAH5 gene, results from a T to C substitution at nucleotide position 3005. The methionine at codon 1002 is replaced by threonine, an amino acid with similar properties. This amino acid position is conserved. In addition, this alteration is predicted to be tolerated by in silico analysis. Since supporting evidence is limited at this time, the clinical significance of this alteration remains unclear.